The following is an entry in ClinVar:

NM_145117.5(NAV2):c.3384C>T (p.Ser1128=)

Genes: NAV2 (neuron navigator 2; plus strand), NAV2-AS2 (NAV2 antisense RNA 2; minus strand). Cytogenetic location: 11p15.1.
Variant type: single nucleotide variant.
Coding change: c.3384C>T on transcript NM_145117.5 (MANE Select); coding-DNA position 3384, C replaced by T.
Protein change: p.Ser1128=; no amino-acid change (serine 1128 retained).
Molecular consequence: synonymous variant.
Genome position (GRCh38, 1-based): chr11:20,045,152, C>T. VCF-style: chr11-20045152-C-T. GRCh37 (hg19) VCF-style: chr11-20066698-C-T.
Other names: c.3192C>T, p.Ser1064= (NM_001111018.2); c.642C>T, p.Ser214= (NM_001111019.3); c.3453C>T, p.Ser1151= (NM_001244963.2); c.3384C>T, p.Ser1128= (NM_182964.6).
Identifiers: ClinVar variation 3038580 (VCV003038580.2), dbSNP rs530942321, ClinGen allele CA5918441.

ClinVar aggregate classification (germline): Likely benign (0 of 4 stars; one submission).

Conditions:
NAV2-related disorder. Also called: NAV2-related condition.

Allele frequency attached by ClinVar (database versions not stated): TOPMed 0.00008; gnomAD 0.00009; gnomAD exomes 0.00013; 1000 Genomes Project 30x 0.00016; ExAC 0.00018; 1000 Genomes Project 0.00020.
gnomAD v4.1: 192 of 1,614,060 alleles (0.012%); highest among the groups gnomAD compares: East Asian, 0.28%; 1 homozygote.

Submission:

PreventionGenetics, part of Exact Sciences
Classification: Likely benign for NAV2-related condition. Last evaluated: 2019-12-30. Review status: no assertion criteria provided. Collection method: clinical testing. Allele origin: germline.
Comment: This variant is classified as likely benign based on ACMG/AMP sequence variant interpretation guidelines (Richards et al. 2015 PMID: 25741868, with internal and published modifications).